The following is an entry in ClinVar:

NM_177972.3(TUB):c.174C>A (p.Ser58Arg)

Gene: TUB (TUB bipartite transcription factor; plus strand). Cytogenetic location: 11p15.4.
Variant type: single nucleotide variant.
Coding change: c.174C>A on transcript NM_177972.3 (MANE Select); coding-DNA position 174, C replaced by A.
Protein change: p.Ser58Arg; replaces serine 58 with arginine.
Molecular consequence: missense variant.
Genome position (GRCh38, 1-based): chr11:8,090,152, C>A. VCF-style: chr11-8090152-C-A. GRCh37 (hg19) VCF-style: chr11-8111699-C-A.
Other names: c.339C>A, p.Ser113Arg (NM_003320.5); short protein forms S113R, S58R.
Identifiers: ClinVar variation 953901 (VCV000953901.9), dbSNP rs1463805707, ClinGen allele CA379562871.
Genomic context (GRCh38, chr11:8,090,152, plus strand): 5'-GAAGAAGAAGCGCCAGGAGCCCCTGATGGTGCAGGCCAATGCAGATGGGCGGCCCCGGAG[C>A]CGGCGGGCCCGGCAGTCAGAGGAACAAGCCCCCCTGGTGGAGTCCTACCTCAGCAGCAGT-3'
Protein context (NP_813977.1, residues 48-68): VQANADGRPR[Ser58Arg]RRARQSEEQA

ClinVar aggregate classification (germline): Uncertain significance (1 of 4 stars; one submission).

Allele frequency attached by ClinVar (database versions not stated): TOPMed below 0.00001; gnomAD 0.00001.
gnomAD v4.1: 3 of 1,613,358 alleles (0.00019%); highest among the groups gnomAD compares: Non-Finnish European, 0.00025%; no homozygotes.

Submission:

Labcorp Genetics (formerly Invitae), Labcorp
Classification: Uncertain significance. Last evaluated: 2019-10-30. Review status: criteria provided, single submitter. Criteria: Invitae Variant Classification Sherloc (09022015). Collection method: clinical testing. Allele origin: germline.
Comment: In summary, the available evidence is currently insufficient to determine the role of this variant in disease. Therefore, it has been classified as a Variant of Uncertain Significance. Algorithms developed to predict the effect of missense changes on protein structure and function are either unavailable or do not agree on the potential impact of this missense change (SIFT: "Deleterious"; PolyPhen-2: "Benign"; Align-GVGD: "Class C0"). This variant has not been reported in the literature in individuals with TUB-related conditions. This variant is not present in population databases (ExAC no frequency). This sequence change replaces serine with arginine at codon 113 of the TUB protein (p.Ser113Arg). The serine residue is weakly conserved and there is a moderate physicochemical difference between serine and arginine.